The following is an entry in ClinVar:

ClinVar aggregate classification (germline): Pathogenic (1 of 4 stars; one submission).

Conditions:
Deletion of long arm of chromosome 18. Also called: CHROMOSOME 18q DELETION SYNDROME; Chromosome 18 deletion syndrome; 18q syndrome; Chromosome 18q syndrome; Chromosome 18, monosomy 18Q; Monosomy 18q syndrome. Identifiers: Orphanet 1600, MedGen C0432443, MONDO:0011147, OMIM 601808.

Submission:

Institute for Genomic Medicine, Nationwide Children's Hospital
Classification: Pathogenic for Deletion of long arm of chromosome 18. Last evaluated: 2024-11-11. Review status: criteria provided, single submitter. Criteria: ACMG/ClinGen CNV Guidelines, 2019. Collection method: research. Allele origin: de novo. Inheritance: Autosomal dominant inheritance. Affected: yes. Observed: 1 heterozygote.
Comment: This variant initially appeared as three non-contiguous deletions (12.39 Mbp at chr18:23614482, 1.80 Mbp at chr18:39652549, and 1.34 Mbp at chr18:49306872) which were revealed by long-read sequencing to be part of a complex genomic rearrangement. This particular rearrangement has not been reported but overlaps with variants reported in this syndrome and was demonstrated to occur de novo. The deletions together impact 74 genes including 17 disease-associated genes. We interpret the variant as Pathogenic.

Single allele

Genes: ANKRD29 (ankyrin repeat domain 29; minus strand), AQP4 (aquaporin 4; minus strand), AQP4-AS1 (AQP4 antisense RNA 1; plus strand), ARK2C (arkadia (RNF111) C-terminal like ring finger ubiquitin ligase 2C; plus strand), ARK2N (arkadia (RNF111) N-terminal like PKA signaling regulator 2N; plus strand) and 442 more. Cytogenetic location: 18q11.2-21.1.
Variant type: Deletion.
Identifiers: ClinVar variation 3384215 (VCV003384215.2).